The following is an entry in ClinVar:

ClinVar aggregate classification (germline): Pathogenic (1 of 4 stars; one submission).

Conditions:
Peutz-Jeghers syndrome (PJS). Also called: Peutz-Jeghers polyposis; Periorificial lentiginosis syndrome; POLYPOSIS, HAMARTOMATOUS INTESTINAL; POLYPS-AND-SPOTS SYNDROME. Identifiers: Orphanet 2869, MedGen C0031269, MeSH D010580, MONDO:0008280, OMIM 175200.

Submission:

Juno Genomics, Hangzhou Juno Genomics, Inc
Classification: Pathogenic for Peutz-Jeghers syndrome. Review status: criteria provided, single submitter. Criteria: ACMG Guidelines, 2015. Collection method: clinical testing. Allele origin: germline. Affected: yes.
Comment: Absent from controls (or at extremely low frequency if recessive) in Genome Aggregation Database, Exome Sequencing Project, 1000 Genomes Project, or Exome Aggregation Consortium.;Null variant in a gene where loss of function (LOF) is a known mechanism of disease.;Patient's phenotype or family history is highly specific for a disease with a single genetic etiology.

NM_000455.5(STK11):c.595G>T (p.Glu199Ter)

Gene: STK11 (serine/threonine kinase 11; plus strand). Cytogenetic location: 19p13.3.
Variant type: single nucleotide variant.
Coding change: c.595G>T on transcript NM_000455.5 (MANE Select); coding-DNA position 595, G replaced by T.
Protein change: p.Glu199Ter; replaces glutamic acid 199 with a stop codon.
Molecular consequence: nonsense.
Genome position (GRCh38, 1-based): chr19:1,220,503, G>T. VCF-style: chr19-1220503-G-T. GRCh37 (hg19) VCF-style: chr19-1220502-G-T.
Other names: short protein forms E199*.
Identifiers: ClinVar variation 376338 (VCV000376338.3), dbSNP rs121913317, ClinGen allele CA16602781.